The following is an entry in ClinVar:

NM_020937.4(FANCM):c.4792G>C (p.Asp1598His)

Gene: FANCM (FA complementation group M; plus strand). Cytogenetic location: 14q21.2.
Variant type: single nucleotide variant.
Coding change: c.4792G>C on transcript NM_020937.4 (MANE Select); coding-DNA position 4792, G replaced by C.
Protein change: p.Asp1598His; replaces aspartic acid 1598 with histidine.
Molecular consequence: missense variant.
Genome position (GRCh38, 1-based): chr14:45,188,814, G>C. VCF-style: chr14-45188814-G-C. GRCh37 (hg19) VCF-style: chr14-45658017-G-C.
Other names: c.4714G>C, p.Asp1572His (NM_001308133.2); short protein forms D1598H, D1572H.
Identifiers: ClinVar variation 4022835 (VCV004022835.1).

ClinVar aggregate classification (germline): Uncertain significance (1 of 4 stars; one submission).

Conditions:
Inborn genetic diseases. Identifiers: MedGen C0950123, MeSH D030342.

Submission:

Ambry Genetics
Classification: Uncertain significance for Inborn genetic diseases. Last evaluated: 2025-05-31. Review status: criteria provided, single submitter. Criteria: Ambry Variant Classification Scheme 2023. Collection method: clinical testing. Allele origin: germline.
Comment: The p.D1598H variant (also known as c.4792G>C), located in coding exon 20 of the FANCM gene, results from a G to C substitution at nucleotide position 4792. The aspartic acid at codon 1598 is replaced by histidine, an amino acid with similar properties. This amino acid position is conserved. In addition, the in silico prediction for this alteration is inconclusive. Based on the available evidence, the clinical significance of this variant remains unclear.